The following is an entry in ClinVar:

NM_004186.5(SEMA3F):c.1588-3C>T

Gene: SEMA3F (semaphorin 3F; plus strand). Cytogenetic location: 3p21.31.
Variant type: single nucleotide variant.
Coding change: c.1588-3C>T on transcript NM_004186.5 (MANE Select); 3 bases into the intron before coding-DNA position 1588, C replaced by T.
Molecular consequence: intron variant.
Genome position (GRCh38, 1-based): chr3:50,185,886, C>T. VCF-style: chr3-50185886-C-T. GRCh37 (hg19) VCF-style: chr3-50223319-C-T.
Other names: NC_000003.11:g.50223319C>T; c.1291-3C>T (NM_001318798.2); c.1495-3C>T (NM_001318800.2).
Identifiers: ClinVar variation 3045695 (VCV003045695.3), dbSNP rs374308618, ClinGen allele CA2412180.

ClinVar aggregate classification (germline): Likely benign (0 of 4 stars; one submission).

Conditions:
SEMA3F-related disorder. Also called: SEMA3F-related condition.

Allele frequency attached by ClinVar (database versions not stated): ExAC 0.00010; gnomAD 0.00018; TOPMed 0.00018; ESP Exome Variant Server 0.00046.

Submissions (3):

PreventionGenetics, part of Exact Sciences
Classification: Likely benign for SEMA3F-related condition. Last evaluated: 2021-09-09. Review status: no assertion criteria provided. Collection method: clinical testing. Allele origin: germline.
Comment: This variant is classified as likely benign based on ACMG/AMP sequence variant interpretation guidelines (Richards et al. 2015 PMID: 25741868, with internal and published modifications).

Dr. Peter K. Rogan Lab, Western University
No classification provided (evidence only). Condition: Acute myeloid leukemia. Review status: no classification provided. Collection method: in vitro. Allele origin: not applicable. Functional consequence: retained intron. Not counted in ClinVar's aggregate classification.

Dr. Peter K. Rogan Lab, Western University
No classification provided (evidence only). Condition: Ovarian serous cystadenocarcinoma. Review status: no classification provided. Collection method: in vitro. Allele origin: not applicable. Functional consequence: retained intron. Not counted in ClinVar's aggregate classification.